The following is an entry in ClinVar:

ClinVar aggregate classification (germline): Benign (1 of 4 stars; one submission).

Allele frequency attached by ClinVar (database versions not stated): gnomAD 0.02489 and 0.02680; TOPMed 0.02805; 1000 Genomes Project 0.02815; 1000 Genomes Project 30x 0.03014.
gnomAD v4.1: 3,761 of 152,302 alleles (2.5%); highest among the groups gnomAD compares: African/African-American, 8.6%; 144 homozygotes.

Submission:

GeneDx
Classification: Benign. Last evaluated: 2018-06-14. Review status: criteria provided, single submitter. Criteria: GeneDx Variant Classification (06012015). Collection method: clinical testing. Allele origin: germline. Affected: yes.
Comment: This variant is considered likely benign or benign based on one or more of the following criteria: it is a conservative change, it occurs at a poorly conserved position in the protein, it is predicted to be benign by multiple in silico algorithms, and/or has population frequency not consistent with disease.

NM_020297.4(ABCC9):c.3473+216T>C

Gene: ABCC9 (ATP binding cassette subfamily C member 9; minus strand). Cytogenetic location: 12p12.1.
Variant type: single nucleotide variant.
Coding change: c.3473+216T>C on transcript NM_020297.4 (MANE Select); 216 bases into the intron after coding-DNA position 3473, T replaced by C.
Molecular consequence: intron variant.
Genome position (GRCh38, 1-based): chr12:21,842,098, A>G on the plus strand (T>C on the coding strand, the complement: ABCC9 is on the minus strand). VCF-style: chr12-21842098-A-G. GRCh37 (hg19) VCF-style: chr12-21995032-A-G.
Other names: c.2606+216T>C (NM_001377274.1); c.3473+216T>C (NM_005691.4, NM_001377273.1).
Identifiers: ClinVar variation 675762 (VCV000675762.1), dbSNP rs75483536, ClinGen allele CA233631867.